The following is an entry in ClinVar:

ClinVar aggregate classification (germline): Uncertain significance (1 of 4 stars; one submission).

Submission:

GeneDx
Classification: Uncertain significance. Last evaluated: 2025-05-22. Review status: criteria provided, single submitter. Criteria: GeneDx Variant Classification Process June 2021. Collection method: clinical testing. Allele origin: germline. Affected: yes.
Comment: Not observed at significant frequency in large population cohorts (gnomAD); In silico analysis suggests that this missense variant does not alter protein structure/function; Has not been previously published as pathogenic or benign to our knowledge

NM_002430.3(MN1):c.715G>A (p.Ala239Thr)

Gene: MN1 (MN1 proto-oncogene, transcriptional regulator; minus strand). Cytogenetic location: 22q12.1.
Variant type: single nucleotide variant.
Coding change: c.715G>A on transcript NM_002430.3 (MANE Select); coding-DNA position 715, G replaced by A.
Protein change: p.Ala239Thr; replaces alanine 239 with threonine.
Molecular consequence: missense variant.
Genome position (GRCh38, 1-based): chr22:27,799,829, C>T on the plus strand (G>A on the coding strand, the complement: MN1 is on the minus strand). VCF-style: chr22-27799829-C-T. GRCh37 (hg19) VCF-style: chr22-28195817-C-T.
Other names: short protein forms A239T.
Identifiers: ClinVar variation 4531123 (VCV004531123.1).